The following is an entry in ClinVar:

ClinVar aggregate classification (germline): Uncertain significance (1 of 4 stars; one submission).

Allele frequency attached by ClinVar (database versions not stated): gnomAD exomes 0.00002 and 0.00004; ExAC 0.00007; gnomAD 0.00007 and 0.00009; TOPMed 0.00008; 1000 Genomes Project 30x 0.00016; 1000 Genomes Project 0.00020; ESP Exome Variant Server 0.00025.
gnomAD v4.1: 36 of 1,613,372 alleles (0.0022%); highest among the groups gnomAD compares: African/African-American, 0.021%; no homozygotes.

Submission:

Labcorp Genetics (formerly Invitae), Labcorp
Classification: Uncertain significance. Last evaluated: 2022-08-19. Review status: criteria provided, single submitter. Criteria: Invitae Variant Classification Sherloc (09022015). Collection method: clinical testing. Allele origin: germline.
Comment: This sequence change replaces arginine, which is basic and polar, with glutamine, which is neutral and polar, at codon 1196 of the CARMIL2 protein (p.Arg1196Gln). This variant is present in population databases (rs199924683, gnomAD 0.04%). This variant has not been reported in the literature in individuals affected with CARMIL2-related conditions. ClinVar contains an entry for this variant (Variation ID: 1363214). Algorithms developed to predict the effect of missense changes on protein structure and function output the following: SIFT: "Tolerated"; PolyPhen-2: "Benign"; Align-GVGD: "Class C0". The glutamine amino acid residue is found in multiple mammalian species, which suggests that this missense change does not adversely affect protein function. Algorithms developed to predict the effect of sequence changes on RNA splicing suggest that this variant may create or strengthen a splice site. In summary, the available evidence is currently insufficient to determine the role of this variant in disease. Therefore, it has been classified as a Variant of Uncertain Significance.

NM_001013838.3(CARMIL2):c.3587G>A (p.Arg1196Gln)

Gene: CARMIL2 (capping protein regulator and myosin 1 linker 2; plus strand). Cytogenetic location: 16q22.1.
Variant type: single nucleotide variant.
Coding change: c.3587G>A on transcript NM_001013838.3 (MANE Select); coding-DNA position 3587, G replaced by A.
Protein change: p.Arg1196Gln; replaces arginine 1196 with glutamine.
Molecular consequence: missense variant.
Genome position (GRCh38, 1-based): chr16:67,654,782, G>A. VCF-style: chr16-67654782-G-A. GRCh37 (hg19) VCF-style: chr16-67688685-G-A.
Other names: c.3479G>A, p.Arg1160Gln (NM_001317026.3); short protein forms R1196Q, R1160Q.
Identifiers: ClinVar variation 1363214 (VCV001363214.5), dbSNP rs199924683, ClinGen allele CA8114081.